The following is an entry in ClinVar:

NM_001005388.3(NFASC):c.2279A>G (p.Asn760Ser)

Gene: NFASC (neurofascin; plus strand). Cytogenetic location: 1q32.1.
Variant type: single nucleotide variant.
Coding change: c.2279A>G on transcript NM_001005388.3 (MANE Select); coding-DNA position 2279, A replaced by G.
Protein change: p.Asn760Ser; replaces asparagine 760 with serine.
Molecular consequence: missense variant.
Genome position (GRCh38, 1-based): chr1:204,981,829, A>G. VCF-style: chr1-204981829-A-G. GRCh37 (hg19) VCF-style: chr1-204950957-A-G.
Other names: c.2312A>G, p.Asn771Ser (NM_001160331.2); c.2267A>G, p.Asn756Ser (NM_001160332.2, NM_001365986.1, NM_015090.4); c.2279A>G, p.Asn760Ser (NM_001378329.1); short protein forms N756S, N771S, N760S.
Identifiers: ClinVar variation 4997230 (VCV004997230.1).

ClinVar aggregate classification (germline): Uncertain significance (1 of 4 stars; one submission).

Conditions:
NFASC-related disorder. Also called: NFASC-related condition.

gnomAD v4.1: 1 of 1,582,834 alleles (0.000063%); highest among the groups gnomAD compares: Admixed American, 0.0018%; no homozygotes.

Submission:

PreventionGenetics, part of Exact Sciences
Classification: Uncertain significance for NFASC-related condition. Last evaluated: 2026-07-10. Review status: criteria provided, single submitter. Criteria: ACMG Guidelines, 2015. Collection method: clinical testing. Allele origin: germline.
Comment: The NFASC c.2279A>G variant is predicted to result in the amino acid substitution p.Asn760Ser. To our knowledge, this variant has not been reported in the literature. This variant is reported in 0.0034% of alleles in individuals of Latino descent in gnomAD. At this time, the clinical significance of this variant is uncertain due to the absence of conclusive functional and genetic evidence.